The following is an entry in ClinVar:

ClinVar aggregate classification (germline): Likely pathogenic (1 of 4 stars; one submission).

Conditions:
Developmental and epileptic encephalopathy, 12 (DEE12). Identifiers: MedGen C3150988, MONDO:0013389, OMIM 613722.

Submission:

Labcorp Genetics (formerly Invitae), Labcorp
Classification: Likely pathogenic for Developmental and epileptic encephalopathy, 12. Last evaluated: 2025-12-22. Review status: criteria provided, single submitter. Criteria: Invitae Variant Classification Sherloc (09022015). Collection method: clinical testing. Allele origin: germline.
Comment: This sequence change affects a donor splice site in intron 5 of the PNKP gene. It is expected to disrupt RNA splicing. Variants that disrupt the donor or acceptor splice site typically lead to a loss of protein function (PMID: 16199547), and loss-of-function variants in PNKP are known to be pathogenic (PMID: 20118933, 25728773). This variant is not present in population databases (gnomAD no frequency). This variant has not been reported in the literature in individuals affected with PNKP-related conditions. In summary, the currently available evidence indicates that the variant is pathogenic, but additional data are needed to prove that conclusively. Therefore, this variant has been classified as Likely Pathogenic.

Literature cited by the submitters: PubMed 16199547; PubMed 20118933; PubMed 25728773.

NM_007254.4(PNKP):c.578+2T>C

Gene: PNKP (polynucleotide kinase 3'-phosphatase; minus strand). Cytogenetic location: 19q13.33.
Variant type: single nucleotide variant.
Coding change: c.578+2T>C on transcript NM_007254.4 (MANE Select); the canonical splice donor site of the intron after coding-DNA position 578, T replaced by C.
Molecular consequence: splice donor variant.
Genome position (GRCh38, 1-based): chr19:49,864,322, A>G on the plus strand (T>C on the coding strand, the complement: PNKP is on the minus strand). VCF-style: chr19-49864322-A-G. GRCh37 (hg19) VCF-style: chr19-50367579-A-G.
Identifiers: ClinVar variation 4733894 (VCV004733894.1).
Genomic context (GRCh38, chr19:49,864,322, plus strand): 5'-GTGACCCGGGGCCAGAGGTGGACTCCAGGCCTCACTCACTCCCTTGTTTTGCCTCTTATC[A>G]CCTCCAGTCACTGGGGCCAGTGGGAAAGACCTTCCCAGAGCGTGTGGTGATGAGCGTCCC-3'